The following is an entry in ClinVar:

ClinVar aggregate classification (germline): Uncertain significance. Review status: criteria provided, multiple submitters, no conflicts (2 of 4 stars). 3 submissions from 3 submitters: Uncertain significance (3). Last evaluated 2025-03-04.

Allele frequency attached by ClinVar (database versions not stated): gnomAD exomes 0.00008 and 0.00012; gnomAD 0.00011 and 0.00013; ExAC 0.00015; 1000 Genomes Project 30x 0.00016; TOPMed 0.00016; 1000 Genomes Project 0.00020.
gnomAD v4.1: 146 of 1,614,128 alleles (0.009%); highest among the groups gnomAD compares: South Asian, 0.057%; 1 homozygote.

Submissions (3):

GeneDx
Classification: Uncertain significance. Last evaluated: 2025-03-04. Review status: criteria provided, single submitter. Criteria: GeneDx Variant Classification Process June 2021. Collection method: clinical testing. Allele origin: germline. Affected: yes.
Comment: Has not been previously published as pathogenic or benign to our knowledge; In silico analysis supports that this missense variant has a deleterious effect on protein structure/function

Labcorp Genetics (formerly Invitae), Labcorp
Classification: Uncertain significance. Last evaluated: 2023-07-07. Review status: criteria provided, single submitter. Criteria: Invitae Variant Classification Sherloc (09022015). Collection method: clinical testing. Allele origin: germline.
Comment: This variant has not been reported in the literature in individuals affected with TARS2-related conditions. This variant is present in population databases (rs587721894, gnomAD 0.04%), including at least one homozygous and/or hemizygous individual. This sequence change replaces proline, which is neutral and non-polar, with histidine, which is basic and polar, at codon 380 of the TARS2 protein (p.Pro380His). ClinVar contains an entry for this variant (Variation ID: 1360256). Advanced modeling of protein sequence and biophysical properties (such as structural, functional, and spatial information, amino acid conservation, physicochemical variation, residue mobility, and thermodynamic stability) performed at Invitae indicates that this missense variant is not expected to disrupt TARS2 protein function. In summary, the available evidence is currently insufficient to determine the role of this variant in disease. Therefore, it has been classified as a Variant of Uncertain Significance.

Breakthrough Genomics
Classification: Uncertain significance. Review status: criteria provided, single submitter. Criteria: ACMG Guidelines, 2015. Collection method: not provided. Allele origin: germline. Inheritance: Autosomal recessive inheritance. Affected: yes.

NM_025150.5(TARS2):c.1139C>A (p.Pro380His)

Gene: TARS2 (threonyl-tRNA synthetase 2, mitochondrial; plus strand). Cytogenetic location: 1q21.2.
Variant type: single nucleotide variant.
Coding change: c.1139C>A on transcript NM_025150.5 (MANE Select); coding-DNA position 1139, C replaced by A.
Protein change: p.Pro380His; replaces proline 380 with histidine.
Molecular consequence: missense variant. On other transcripts: non-coding transcript variant (2).
Genome position (GRCh38, 1-based): chr1:150,497,648, C>A. VCF-style: chr1-150497648-C-A. GRCh37 (hg19) VCF-style: chr1-150470124-C-A.
Other names: c.893C>A, p.Pro298His (NM_001271895.2); c.749C>A, p.Pro250His (NM_001271896.2); c.1139C>A (NM_025150.4); short protein forms P250H, P298H, P380H.
Identifiers: ClinVar variation 1360256 (VCV001360256.8), dbSNP rs587721894, ClinGen allele CA1076919.
Genomic context (GRCh38, chr1:150,497,648, plus strand): 5'-AGCTCTGGGAACAGTCAGGGCACTGGGAGCATTATCAGGAAGACATGTTTGCCGTGCAGC[C>A]CCCAGGCTCTGACAGGCCTCCCAGCTCCCAGAGTGACGATTCTACCAGGCATATCACAGA-3'
Protein context (NP_079426.2, residues 370-390): HYQEDMFAVQ[Pro380His]PGSDRPPSSQ